The following is an entry in ClinVar:

ClinVar aggregate classification (germline): Uncertain significance. Review status: criteria provided, single submitter (1 of 4 stars). 2 submissions from 2 submitters: Uncertain significance (1). 1 of the submissions does not count toward it. Last evaluated 2022-06-05.

Conditions:
Usher syndrome type 2A. Also called: RETINAL DISEASE IN USHER SYNDROME TYPE IIA, MODIFIER OF; USHER SYNDROME, TYPE IIA. Identifiers: Orphanet 231178, Orphanet 886, MedGen C1848634, MONDO:0010169, OMIM 276901.

gnomAD v4.1: 2 of 1,613,912 alleles (0.00012%); highest among the groups gnomAD compares: Admixed American, 0.0017%; no homozygotes.

Submissions (2):

Labcorp Genetics (formerly Invitae), Labcorp
Classification: Uncertain significance. Last evaluated: 2022-06-05. Review status: criteria provided, single submitter. Criteria: Invitae Variant Classification Sherloc (09022015). Collection method: clinical testing. Allele origin: germline.
Comment: This sequence change replaces glycine, which is neutral and non-polar, with serine, which is neutral and polar, at codon 4517 of the USH2A protein (p.Gly4517Ser). This variant is not present in population databases (gnomAD no frequency). This variant has not been reported in the literature in individuals affected with USH2A-related conditions. ClinVar contains an entry for this variant (Variation ID: 1364446). Algorithms developed to predict the effect of missense changes on protein structure and function output the following: SIFT: "Tolerated"; PolyPhen-2: "Benign"; Align-GVGD: "Class C0". The serine amino acid residue is found in multiple mammalian species, which suggests that this missense change does not adversely affect protein function. In summary, the available evidence is currently insufficient to determine the role of this variant in disease. Therefore, it has been classified as a Variant of Uncertain Significance.

Natera, Inc.
Classification: Uncertain significance for Usher syndrome type 2A. Last evaluated: 2025-05-12. Review status: no assertion criteria provided. Collection method: clinical testing. Allele origin: germline. Not counted in ClinVar's aggregate classification.

NM_206933.4(USH2A):c.13549G>A (p.Gly4517Ser)

Gene: USH2A (usherin; minus strand). Cytogenetic location: 1q41.
Variant type: single nucleotide variant.
Coding change: c.13549G>A on transcript NM_206933.4 (MANE Select); coding-DNA position 13549, G replaced by A.
Protein change: p.Gly4517Ser; replaces glycine 4517 with serine.
Molecular consequence: missense variant.
Genome position (GRCh38, 1-based): chr1:215,674,362, C>T on the plus strand (G>A on the coding strand, the complement: USH2A is on the minus strand). VCF-style: chr1-215674362-C-T. GRCh37 (hg19) VCF-style: chr1-215847704-C-T.
Other names: c.13549G>A (NM_206933.2); short protein forms G4517S.
Identifiers: ClinVar variation 1364446 (VCV001364446.4), dbSNP rs763154327, ClinGen allele CA344844664.